The following is an entry in ClinVar:

NM_198060.4(NRAP):c.1303G>A (p.Val435Ile)

Gene: NRAP (nebulin related anchoring protein; minus strand). Cytogenetic location: 10q25.3.
Variant type: single nucleotide variant.
Coding change: c.1303G>A on transcript NM_198060.4 (MANE Select); coding-DNA position 1303, G replaced by A.
Protein change: p.Val435Ile; replaces valine 435 with isoleucine.
Molecular consequence: missense variant.
Genome position (GRCh38, 1-based): chr10:113,641,385, C>T on the plus strand (G>A on the coding strand, the complement: NRAP is on the minus strand). VCF-style: chr10-113641385-C-T. GRCh37 (hg19) VCF-style: chr10-115401144-C-T.
Other names: c.1303G>A, p.Val435Ile (NM_001261463.2, NM_001322945.2); c.1198G>A, p.Val400Ile (NM_006175.5); short protein forms V400I, V435I.
Identifiers: ClinVar variation 3895313 (VCV003895313.1), dbSNP rs1443417442.

ClinVar aggregate classification (germline): Uncertain significance (1 of 4 stars; one submission).

Conditions:
Cardiovascular phenotype. Identifiers: MedGen CN230736.

gnomAD v4.1: 10 of 1,613,364 alleles (0.00062%); highest among the groups gnomAD compares: East Asian, 0.0022%; no homozygotes.

Submission:

Molecular Diagnostic Laboratory for Inherited Cardiovascular Disease, Montreal Heart Institute
Classification: Uncertain significance for Cardiovascular phenotype. Last evaluated: 2025-04-09. Review status: criteria provided, single submitter. Criteria: ACMG Guidelines, 2015. Collection method: clinical testing. Allele origin: germline. Affected: yes.
Comment: PM2;PP3